The following is an entry in ClinVar:

NM_000059.4(BRCA2):c.3080_3082delinsCC (p.Ser1027fs)

Gene: BRCA2 (BRCA2 DNA repair associated; plus strand). Cytogenetic location: 13q13.1.
Variant type: Indel.
Coding change: c.3080_3082delinsCC on transcript NM_000059.4 (MANE Select); coding-DNA positions 3080 to 3082, GCA replaced by CC.
Protein change: p.Ser1027fs; shifts the reading frame from serine 1027.
Molecular consequence: frameshift variant. On other transcripts: non-coding transcript variant (1), intron variant (2).
Genome position (GRCh38, 1-based): chr13:32,337,435-32,337,437, GCA replaced by CC. VCF-style: chr13-32337435-GCA-CC. GRCh37 (hg19) VCF-style: chr13-32911572-GCA-CC.
Other names: c.1909+4048_1909+4050delinsCC (NM_001406721.1); c.424+6405_424+6407delinsCC (NM_001406722.1); c.3080_3082delinsCC, p.Ser1027fs (NM_001406719.1, NM_001406720.1); short protein forms S1027fs.
Identifiers: ClinVar variation 2451518 (VCV002451518.3), dbSNP rs2548525194, ClinGen allele CA2580087041.

ClinVar aggregate classification (germline): Pathogenic. Review status: criteria provided, multiple submitters, no conflicts (2 of 4 stars). 2 submissions from 2 submitters: Pathogenic (2). Last evaluated 2026-06-09.

Conditions:
Breast-ovarian cancer, familial, susceptibility to, 2 (BROVCA2). Also called: BRCA2 Hereditary Breast and Ovarian Cancer. Identifiers: Orphanet 145, MedGen C2675520, MONDO:0012933, OMIM 612555. Disease mechanism: loss of function.
Hereditary cancer-predisposing syndrome. Also called: Tumor predisposition; Hereditary Cancer Syndrome; Hereditary neoplastic syndrome; Neoplastic Syndromes, Hereditary. Identifiers: Orphanet 140162, MedGen C0027672, MeSH D009386, MONDO:0015356.

Submissions (2):

Myriad Genetics, Inc.
Classification: Pathogenic for Breast-ovarian cancer, familial, susceptibility to, 2. Last evaluated: 2026-06-09. Review status: criteria provided, single submitter. Criteria: Myriad Autosomal Dominant, Autosomal Recessive and X-Linked Classification Criteria (2023). Collection method: clinical testing. Allele origin: unknown.
Comment: This variant is considered pathogenic. This variant creates a frameshift predicted to result in premature protein truncation.

Ambry Genetics
Classification: Pathogenic for Hereditary cancer-predisposing syndrome. Last evaluated: 2023-01-04. Review status: criteria provided, single submitter. Criteria: Ambry Variant Classification Scheme 2023. Collection method: clinical testing. Allele origin: germline.
Comment: The c.3080_3082delGCAinsCC pathogenic mutation, located in coding exon 10 of the BRCA2 gene, results from the deletion of 3 nucleotides and insertion of two nucleotides causing a translational frameshift with a predicted alternate stop codon (p.S1027Tfs*16). This variant is considered to be rare based on population cohorts in the Genome Aggregation Database (gnomAD). This alteration is expected to result in loss of function by premature protein truncation or nonsense-mediated mRNA decay. As such, this alteration is interpreted as a disease-causing mutation.